The following is an entry in ClinVar:

NM_001098671.2(RASGRP2):c.1777C>T (p.Arg593Cys)

Gene: RASGRP2 (RAS guanyl releasing protein 2; minus strand). Cytogenetic location: 11q13.1.
Variant type: single nucleotide variant.
Coding change: c.1777C>T on transcript NM_001098671.2 (MANE Select); coding-DNA position 1777, C replaced by T.
Protein change: p.Arg593Cys; replaces arginine 593 with cysteine.
Molecular consequence: missense variant.
Genome position (GRCh38, 1-based): chr11:64,727,355, G>A on the plus strand (C>T on the coding strand, the complement: RASGRP2 is on the minus strand). VCF-style: chr11-64727355-G-A. GRCh37 (hg19) VCF-style: chr11-64494827-G-A.
Other names: c.1777C>T, p.Arg593Cys (NM_001098670.2, NM_153819.2); c.1342C>T, p.Arg448Cys (NM_001318398.2); short protein forms R593C, R448C.
Identifiers: ClinVar variation 2758088 (VCV002758088.5), dbSNP rs144800583, ClinGen allele CA6078789.

ClinVar aggregate classification (germline): Conflicting classifications of pathogenicity. Review status: criteria provided, conflicting classifications (1 of 4 stars). 2 submissions from 2 submitters: Uncertain significance (1); Likely benign (1). Last evaluated 2025-05-04.

Allele frequency attached by ClinVar (database versions not stated): gnomAD 0.00021; ESP Exome Variant Server 0.00015; gnomAD exomes 0.00022; 1000 Genomes Project 0.00060; TOPMed 0.00006; ExAC 0.00040; 1000 Genomes Project 30x 0.00062.
gnomAD v4.1: 350 of 1,613,740 alleles (0.022%); highest among the groups gnomAD compares: South Asian, 0.28%; 7 homozygotes.

Submissions (2):

Labcorp Genetics (formerly Invitae), Labcorp
Classification: Likely benign. Last evaluated: 2025-05-04. Review status: criteria provided, single submitter. Criteria: Invitae Variant Classification Sherloc (09022015). Collection method: clinical testing. Allele origin: germline.

Women's Health and Genetics/Laboratory Corporation of America, LabCorp
Classification: Uncertain significance. Last evaluated: 2024-02-06. Review status: criteria provided, single submitter. Criteria: LabCorp Variant Classification Summary - May 2015. Collection method: clinical testing. Allele origin: germline.
Comment: Variant summary: RASGRP2 c.1777C>T (p.Arg593Cys) results in a non-conservative amino acid change in the encoded protein sequence. Three of five in-silico tools predict a benign effect of the variant on protein function. The variant allele was found at a frequency of 0.00037 in 251368 control chromosomes in the gnomAD database, including 2 homozygotes. c.1777C>T has been reported in the literature in a heterozygous individual with features of platelet disorder (Puetz_2012). This report does not provide unequivocal conclusions about association of the variant with Platelet-Type Bleeding Disorder 18. To our knowledge, no experimental evidence demonstrating an impact on protein function has been reported. The following publication have been ascertained in the context of this evaluation (PMID: 21815871). No submitters have cited clinical-significance assessments for this variant to ClinVar. Based on the evidence outlined above, the variant was classified as uncertain significance.

Literature cited by the submitters: PubMed 21815871 (cited by Women's Health and Genetics/Laboratory Corporation of America, LabCorp).